The following is an entry in ClinVar:

NM_024675.4(PALB2):c.1369G>T (p.Glu457Ter)

Gene: PALB2 (partner and localizer of BRCA2; minus strand). Cytogenetic location: 16p12.2.
Variant type: single nucleotide variant.
Coding change: c.1369G>T on transcript NM_024675.4 (MANE Select); coding-DNA position 1369, G replaced by T.
Protein change: p.Glu457Ter; replaces glutamic acid 457 with a stop codon.
Molecular consequence: nonsense.
Genome position (GRCh38, 1-based): chr16:23,635,177, C>A on the plus strand (G>T on the coding strand, the complement: PALB2 is on the minus strand). VCF-style: chr16-23635177-C-A. GRCh37 (hg19) VCF-style: chr16-23646498-C-A.
Other names: short protein forms E457*.
Identifiers: ClinVar variation 241527 (VCV000241527.8), dbSNP rs878855099, ClinGen allele CA10583374.

ClinVar aggregate classification (germline): Pathogenic. Review status: criteria provided, multiple submitters, no conflicts (2 of 4 stars). 2 submissions from 2 submitters: Pathogenic (2). Last evaluated 2024-10-30.

Conditions:
Familial cancer of breast. Also called: Hereditary breast cancer; BREAST CANCER, FAMILIAL; hereditary breast carcinoma. Identifiers: Orphanet 227535, MedGen C0346153, MONDO:0016419, OMIM 114480. Disease mechanism: loss of function.

Submissions (2):

Myriad Genetics, Inc.
Classification: Pathogenic for Familial cancer of breast. Last evaluated: 2024-10-30. Review status: criteria provided, single submitter. Criteria: Myriad Autosomal Dominant, Autosomal Recessive and X-Linked Classification Criteria (2023). Collection method: clinical testing. Allele origin: unknown.
Comment: This variant is considered pathogenic. This variant creates a termination codon and is predicted to result in premature protein truncation.

Labcorp Genetics (formerly Invitae), Labcorp
Classification: Pathogenic for Familial cancer of breast. Last evaluated: 2023-03-26. Review status: criteria provided, single submitter. Criteria: Invitae Variant Classification Sherloc (09022015). Collection method: clinical testing. Allele origin: germline.
Comment: For these reasons, this variant has been classified as Pathogenic. ClinVar contains an entry for this variant (Variation ID: 241527). This variant has not been reported in the literature in individuals affected with PALB2-related conditions. This variant is not present in population databases (gnomAD no frequency). This sequence change creates a premature translational stop signal (p.Glu457*) in the PALB2 gene. It is expected to result in an absent or disrupted protein product. Loss-of-function variants in PALB2 are known to be pathogenic (PMID: 17200668, 17200671, 17200672, 24136930, 25099575).

Literature cited by the submitters: PubMed 17200668 (cited by Labcorp Genetics (formerly Invitae), Labcorp); PubMed 17200671 (cited by Labcorp Genetics (formerly Invitae), Labcorp); PubMed 17200672 (cited by Labcorp Genetics (formerly Invitae), Labcorp); PubMed 24136930 (cited by Labcorp Genetics (formerly Invitae), Labcorp); PubMed 25099575 (cited by Labcorp Genetics (formerly Invitae), Labcorp).